The following is an entry in ClinVar:

ClinVar aggregate classification (germline): Uncertain significance (1 of 4 stars; one submission).

Conditions:
Cardiovascular phenotype. Identifiers: MedGen CN230736.
Hereditary cancer-predisposing syndrome. Also called: Neoplastic Syndromes, Hereditary; Tumor predisposition; Hereditary Cancer Syndrome; Hereditary neoplastic syndrome. Identifiers: Orphanet 140162, MedGen C0027672, MeSH D009386, MONDO:0015356.

gnomAD v4.1: 1 of 1,613,604 alleles (0.000062%); highest among the groups gnomAD compares: East Asian, 0.0022%; no homozygotes.

Submission:

Ambry Genetics
Classification: Uncertain significance for Cardiovascular phenotype; Hereditary cancer-predisposing syndrome. Last evaluated: 2026-05-17. Review status: criteria provided, single submitter. Criteria: Ambry Variant Classification Scheme 2023. Collection method: clinical testing. Allele origin: germline.
Comment: The p.P746S variant (also known as c.2236C>T), located in coding exon 19 of the LZTR1 gene, results from a C to T substitution at nucleotide position 2236. The proline at codon 746 is replaced by serine, an amino acid with similar properties. This amino acid position is conserved. In addition, the in silico prediction for this alteration is inconclusive. Based on the available evidence, the clinical significance of this variant remains unclear.

NM_006767.4(LZTR1):c.2236C>T (p.Pro746Ser)

Gene: LZTR1 (leucine zipper like post translational regulator 1; plus strand). Cytogenetic location: 22q11.21.
Variant type: single nucleotide variant.
Coding change: c.2236C>T on transcript NM_006767.4 (MANE Select); coding-DNA position 2236, C replaced by T.
Protein change: p.Pro746Ser; replaces proline 746 with serine.
Molecular consequence: missense variant.
Genome position (GRCh38, 1-based): chr22:20,996,712, C>T. VCF-style: chr22-20996712-C-T. GRCh37 (hg19) VCF-style: chr22-21351001-C-T.
Other names: short protein forms P746S.
Identifiers: ClinVar variation 4859338 (VCV004859338.1).